The following is an entry in ClinVar:

ClinVar aggregate classification (germline): Pathogenic (1 of 4 stars; one submission).

Conditions:
Polycystic kidney disease, adult type (PKD1). Also called: POLYCYSTIC KIDNEY DISEASE 1 WITH OR WITHOUT POLYCYSTIC LIVER DISEASE; POLYCYSTIC KIDNEY DISEASE, ADULT, TYPE I; Polycystic Kidney Disease 1, Autosomal Dominant; Polycystic kidney disease 1; Polycystic kidney disease 1, severe; Polycystic Kidney, Autosomal Dominant. Identifiers: MedGen C3149841, MONDO:0008263, OMIM 173900.

Submission:

Juno Genomics, Hangzhou Juno Genomics, Inc
Classification: Pathogenic for Polycystic kidney disease, adult type. Review status: criteria provided, single submitter. Criteria: ACMG Guidelines, 2015. Collection method: clinical testing. Allele origin: germline. Affected: yes.
Comment: Absent from controls (or at extremely low frequency if recessive) in Genome Aggregation Database.;Null variant in a gene where loss of function (LOF) is a known mechanism of disease.;Patient's phenotype or family history is highly specific for a disease with a single genetic etiology.

NM_001009944.3(PKD1):c.3151del (p.Val1051fs)

Gene: PKD1 (polycystin 1, transient receptor potential channel interacting; minus strand). Cytogenetic location: 16p13.3.
Variant type: Deletion.
Coding change: c.3151del on transcript NM_001009944.3 (MANE Select); coding-DNA position 3151, one base deleted (G; older notation c.3151delG).
Protein change: p.Val1051fs; shifts the reading frame from valine 1051.
Molecular consequence: frameshift variant.
Genome position (GRCh38, 1-based): chr16:2,112,798, C deleted on the plus strand (G on the coding strand, the reverse complement: PKD1 is on the minus strand); the first of 2 consecutive C bases (chr16:2,112,798-2,112,799); deleting either gives the same sequence. VCF-style (leftmost placement, unchanged base first): chr16-2112797-AC-A. GRCh37 (hg19) VCF-style: chr16-2162798-AC-A.
Other names: c.3151del, p.Val1051fs (NM_000296.4); short protein forms V1051fs.
Identifiers: ClinVar variation 5019175 (VCV005019175.1).
Genomic context (GRCh38, chr16:2,112,797, plus strand): 5'-GCTGGGACAAGAGCCTGGTGCCCACCCCAAACCGGCCCCCGAGTCACTCACAGGAAGGCC[AC>A]CTCCACGGCCGAGTCCACCAGCACGCCCGCCGTCAGTGCTAGCGTGGCATTGGGGGACAG-3'